The following is an entry in ClinVar:

NM_017617.5(NOTCH1):c.3496G>C (p.Gly1166Arg)

Gene: NOTCH1 (notch receptor 1; minus strand). Cytogenetic location: 9q34.3.
Variant type: single nucleotide variant.
Coding change: c.3496G>C on transcript NM_017617.5 (MANE Select); coding-DNA position 3496, G replaced by C.
Protein change: p.Gly1166Arg; replaces glycine 1166 with arginine.
Molecular consequence: missense variant.
Genome position (GRCh38, 1-based): chr9:136,507,969, C>G on the plus strand (G>C on the coding strand, the complement: NOTCH1 is on the minus strand). VCF-style: chr9-136507969-C-G. GRCh37 (hg19) VCF-style: chr9-139402421-C-G.
Other names: short protein forms G1166R.
Identifiers: ClinVar variation 1313217 (VCV001313217.3), dbSNP rs754815022, ClinGen allele CA375551007.

ClinVar aggregate classification (germline): Uncertain significance. Review status: criteria provided, multiple submitters, no conflicts (2 of 4 stars). 2 submissions from 2 submitters: Uncertain significance (2). Last evaluated 2025-04-02.

Conditions:
Adams-Oliver syndrome 5 (AOS5). Identifiers: Orphanet 974, MedGen C4014970, MONDO:0014459, OMIM 616028.

Submissions (2):

Labcorp Genetics (formerly Invitae), Labcorp
Classification: Uncertain significance for Adams-Oliver syndrome 5. Last evaluated: 2025-04-02. Review status: criteria provided, single submitter. Criteria: Invitae Variant Classification Sherloc (09022015). Collection method: clinical testing. Allele origin: germline.
Comment: This sequence change replaces glycine, which is neutral and non-polar, with arginine, which is basic and polar, at codon 1166 of the NOTCH1 protein (p.Gly1166Arg). This variant is not present in population databases (gnomAD no frequency). This variant has not been reported in the literature in individuals affected with NOTCH1-related conditions. ClinVar contains an entry for this variant (Variation ID: 1313217). Invitae Evidence Modeling of protein sequence and biophysical properties (such as structural, functional, and spatial information, amino acid conservation, physicochemical variation, residue mobility, and thermodynamic stability) indicates that this missense variant is not expected to disrupt NOTCH1 protein function with a negative predictive value of 80%. In summary, the available evidence is currently insufficient to determine the role of this variant in disease. Therefore, it has been classified as a Variant of Uncertain Significance.

GeneDx
Classification: Uncertain significance. Last evaluated: 2021-05-20. Review status: criteria provided, single submitter. Criteria: GeneDx Variant Classification Process June 2021. Collection method: clinical testing. Allele origin: germline. Affected: yes.
Comment: Has not been previously published as pathogenic or benign to our knowledge; Not observed in large population cohorts (Lek et al., 2016); In silico analysis supports that this missense variant has a deleterious effect on protein structure/function